The following is an entry in ClinVar:

ClinVar aggregate classification (germline): Pathogenic. Review status: criteria provided, multiple submitters, no conflicts (2 of 4 stars). 3 submissions from 3 submitters: Pathogenic (3). Last evaluated 2024-02-14.

Conditions:
T-B+ severe combined immunodeficiency due to JAK3 deficiency. Also called: SCID, T CELL-NEGATIVE, B CELL-POSITIVE, NK CELL-NEGATIVE; SCID, autosomal recessive, T-negative/B-positive type. Identifiers: Orphanet 35078, MedGen C1833275, MONDO:0010938, OMIM 600802.

Allele frequency attached by ClinVar (database versions not stated): gnomAD 0.00001; TOPMed 0.00003.

Submissions (3):

Fulgent Genetics
Classification: Pathogenic for T-B+ severe combined immunodeficiency due to JAK3 deficiency. Last evaluated: 2024-02-14. Review status: criteria provided, single submitter. Criteria: ACMG Guidelines, 2015. Collection method: clinical testing. Allele origin: germline.

Labcorp Genetics (formerly Invitae), Labcorp
Classification: Pathogenic for T-B+ severe combined immunodeficiency due to JAK3 deficiency. Last evaluated: 2023-12-27. Review status: criteria provided, single submitter. Criteria: Invitae Variant Classification Sherloc (09022015). Collection method: clinical testing. Allele origin: germline.
Comment: This sequence change creates a premature translational stop signal (p.Arg549*) in the JAK3 gene. It is expected to result in an absent or disrupted protein product. Loss-of-function variants in JAK3 are known to be pathogenic (PMID: 7481768, 11668621). This variant is not present in population databases (gnomAD no frequency). This premature translational stop signal has been observed in individual(s) with severe combined immunodeficiency (PMID: 31589898). ClinVar contains an entry for this variant (Variation ID: 803542). For these reasons, this variant has been classified as Pathogenic.

Mendelics
Classification: Pathogenic for T-B+ severe combined immunodeficiency due to JAK3 deficiency. Last evaluated: 2019-05-28. Review status: criteria provided, single submitter. Criteria: Mendelics Assertion Criteria 2017. Collection method: clinical testing. Allele origin: unknown.

Literature cited by the submitters: PubMed 7481768 (cited by Labcorp Genetics (formerly Invitae), Labcorp); PubMed 11668621 (cited by Labcorp Genetics (formerly Invitae), Labcorp); PubMed 31589898 (cited by Labcorp Genetics (formerly Invitae), Labcorp).

NM_000215.4(JAK3):c.1645C>T (p.Arg549Ter)

Gene: JAK3 (Janus kinase 3; minus strand). Cytogenetic location: 19p13.11.
Variant type: single nucleotide variant.
Coding change: c.1645C>T on transcript NM_000215.4 (MANE Select); coding-DNA position 1645, C replaced by T.
Protein change: p.Arg549Ter; replaces arginine 549 with a stop codon.
Molecular consequence: nonsense.
Genome position (GRCh38, 1-based): chr19:17,837,988, G>A on the plus strand (C>T on the coding strand, the complement: JAK3 is on the minus strand). VCF-style: chr19-17837988-G-A. GRCh37 (hg19) VCF-style: chr19-17948797-G-A.
Other names: short protein forms R549*.
Identifiers: ClinVar variation 803542 (VCV000803542.6), dbSNP rs1011307501, ClinGen allele CA306132685.